The following is an entry in ClinVar:

NM_020922.5(WNK3):c.3110T>C (p.Phe1037Ser)

Gene: WNK3 (WNK lysine deficient protein kinase 3; minus strand). Cytogenetic location: Xp11.22.
Variant type: single nucleotide variant.
Coding change: c.3110T>C on transcript NM_020922.5 (MANE Select); coding-DNA position 3110, T replaced by C.
Protein change: p.Phe1037Ser; replaces phenylalanine 1037 with serine.
Molecular consequence: missense variant.
Genome position (GRCh38, 1-based): chrX:54,249,238, A>G on the plus strand (T>C on the coding strand, the complement: WNK3 is on the minus strand). VCF-style: chrX-54249238-A-G. GRCh37 (hg19) VCF-style: chrX-54275671-A-G.
Other names: c.3110T>C, p.Phe1037Ser (NM_001002838.4, NM_001395166.1); short protein forms F1037S.
Identifiers: ClinVar variation 4975409 (VCV004975409.1).

ClinVar aggregate classification (germline): Uncertain significance (1 of 4 stars; one submission).

Submission:

GeneDx
Classification: Uncertain significance. Last evaluated: 2026-01-21. Review status: criteria provided, single submitter. Criteria: GeneDx Variant Classification Process June 2021. Collection method: clinical testing. Allele origin: germline.
Comment: Not observed at significant frequency in large population cohorts (gnomAD); In silico analysis suggests that this missense variant does not alter protein structure/function; Has not been previously published as pathogenic or benign to our knowledge